The following is an entry in ClinVar:

NM_000540.3(RYR1):c.1001G>A (p.Gly334Asp)

Gene: RYR1 (ryanodine receptor 1; plus strand). Cytogenetic location: 19q13.2.
Variant type: single nucleotide variant.
Coding change: c.1001G>A on transcript NM_000540.3 (MANE Select); coding-DNA position 1001, G replaced by A.
Protein change: p.Gly334Asp; replaces glycine 334 with aspartic acid.
Molecular consequence: missense variant.
Genome position (GRCh38, 1-based): chr19:38,448,692, G>A. VCF-style: chr19-38448692-G-A. GRCh37 (hg19) VCF-style: chr19-38939332-G-A.
Other names: c.1001G>A, p.Gly334Asp (NM_001042723.2); short protein forms G334D.
Identifiers: ClinVar variation 2190608 (VCV002190608.27), dbSNP rs587784371, ClinGen allele CA052191.
Genomic context (GRCh38, chr19:38,448,692, plus strand): 5'-GTCCCCTGCCCCTGTAGGAGAAGCTGGATGTGGCCCCCAAGCGGGATGTGGAGGGCATGG[G>A]CCCCCCTGAGATCAAGTACGGGGAGTCACTGTGCTTCGTGCAGCATGTGGCCTCAGGACT-3'
Protein context (NP_000531.2, residues 324-344): VAPKRDVEGM[Gly334Asp]PPEIKYGESL

ClinVar aggregate classification (germline): Uncertain significance. Review status: criteria provided, multiple submitters, no conflicts (2 of 4 stars). 5 submissions from 5 submitters: Uncertain significance (5). Last evaluated 2025-10-15.

Conditions:
RYR1-related disorder. Also called: RYR1-related disorders; RYR1-related condition. Identifiers: MedGen CN239331.
Inborn genetic diseases. Identifiers: MedGen C0950123, MeSH D030342.

Allele frequency attached by ClinVar (database versions not stated): ExAC 0.00001.
gnomAD v4.1: 7 of 1,614,212 alleles (0.00043%); highest among the groups gnomAD compares: Admixed American, 0.0033%; no homozygotes.

Submissions (5):

Ambry Genetics
Classification: Uncertain significance for Inborn genetic diseases. Last evaluated: 2025-10-15. Review status: criteria provided, single submitter. Criteria: Ambry Variant Classification Scheme 2023. Collection method: clinical testing. Allele origin: germline.
Comment: The c.1001G>A (p.G334D) alteration is located in exon 11 (coding exon 11) of the RYR1 gene. This alteration results from a G to A substitution at nucleotide position 1001, causing the glycine (G) at amino acid position 334 to be replaced by an aspartic acid (D). Based on data from gnomAD, the A allele has an overall frequency of 0.002% (4/251406) total alleles studied. The highest observed frequency was 0.016% (1/6134) of Other alleles. Based on insufficient or conflicting evidence, the clinical significance of this alteration remains unclear.

GeneDx
Classification: Uncertain significance. Last evaluated: 2025-01-31. Review status: criteria provided, single submitter. Criteria: GeneDx Variant Classification Process June 2021. Collection method: clinical testing. Allele origin: germline. Affected: yes.
Comment: Not observed at significant frequency in large population cohorts (gnomAD); In silico analysis supports that this missense variant has a deleterious effect on protein structure/function; Has not been previously published as pathogenic or benign to our knowledge; This variant is associated with the following publications: (PMID: 33767344)

CeGaT Center for Human Genetics Tuebingen
Classification: Uncertain significance. Last evaluated: 2022-10-01. Review status: criteria provided, single submitter. Criteria: CeGaT Center For Human Genetics Tuebingen Variant Classification Criteria Version 2. Collection method: clinical testing. Allele origin: germline. Affected: yes. Observed: 1 variant allele.
Comment: RYR1: PM2

Labcorp Genetics (formerly Invitae), Labcorp
Classification: Uncertain significance for RYR1-related disorder. Last evaluated: 2022-06-10. Review status: criteria provided, single submitter. Criteria: Invitae Variant Classification Sherloc (09022015). Collection method: clinical testing. Allele origin: germline.
Comment: This sequence change replaces glycine, which is neutral and non-polar, with aspartic acid, which is acidic and polar, at codon 334 of the RYR1 protein (p.Gly334Asp). This variant is present in population databases (rs587784371, gnomAD 0.006%). This variant has not been reported in the literature in individuals affected with RYR1-related conditions. Advanced modeling of protein sequence and biophysical properties (such as structural, functional, and spatial information, amino acid conservation, physicochemical variation, residue mobility, and thermodynamic stability) performed at Invitae indicates that this missense variant is expected to disrupt RYR1 protein function. In summary, the available evidence is currently insufficient to determine the role of this variant in disease. Therefore, it has been classified as a Variant of Uncertain Significance.

Blueprint Genetics
Classification: Uncertain significance. Last evaluated: 2021-09-13. Review status: criteria provided, single submitter. Criteria: ACMG Guidelines, 2015. Collection method: clinical testing. Allele origin: germline.